The following is an entry in ClinVar:

NM_002878.4(RAD51D):c.382dup (p.Leu128fs)

Genes: RAD51L3-RFFL (RAD51L3-RFFL readthrough; minus strand), RAD51D (RAD51 paralog D; minus strand). Cytogenetic location: 17q12.
Variant type: Duplication.
Coding change: c.382dup on transcript NM_002878.4 (MANE Select); coding-DNA position 382, one base duplicated (C; older notation c.382dupC).
Protein change: p.Leu128fs; shifts the reading frame from leucine 128.
Molecular consequence: frameshift variant. On other transcripts: non-coding transcript variant (1), intron variant (1).
Genome position (GRCh38, 1-based): chr17:35,107,086, G duplicated on the plus strand (C on the coding strand, the reverse complement: RAD51D is on the minus strand); the first of 2 consecutive G bases (chr17:35,107,086-35,107,087); duplicating either gives the same sequence. VCF-style (leftmost placement, unchanged base first): chr17-35107085-A-AG. GRCh37 (hg19) VCF-style: chr17-33434104-A-AG.
Other names: c.442dup, p.Leu148fs (NM_001142571.2); c.145-605dup (NM_133629.3); short protein forms L148fs, L128fs.
Identifiers: ClinVar variation 1422601 (VCV001422601.6), dbSNP rs2142433535, ClinGen allele CA2573153506.

ClinVar aggregate classification (germline): Pathogenic (1 of 4 stars; one submission).

Conditions:
Breast-ovarian cancer, familial, susceptibility to, 4. Identifiers: Orphanet 145, MedGen C3280345, MONDO:0013669, OMIM 614291.

Submission:

Labcorp Genetics (formerly Invitae), Labcorp
Classification: Pathogenic for Breast-ovarian cancer, familial, susceptibility to, 4. Last evaluated: 2021-10-04. Review status: criteria provided, single submitter. Criteria: Invitae Variant Classification Sherloc (09022015). Collection method: clinical testing. Allele origin: germline.
Comment: For these reasons, this variant has been classified as Pathogenic. This variant has not been reported in the literature in individuals affected with RAD51D-related conditions. This variant is not present in population databases (ExAC no frequency). This sequence change creates a premature translational stop signal (p.Leu128Profs*26) in the RAD51D gene. It is expected to result in an absent or disrupted protein product. Loss-of-function variants in RAD51D are known to be pathogenic (PMID: 21822267).

Literature cited by the submitters: PubMed 21822267.